The following is an entry in ClinVar:

ClinVar aggregate classification (germline): Uncertain significance. Review status: criteria provided, multiple submitters, no conflicts (2 of 4 stars). 2 submissions from 2 submitters: Uncertain significance (2). Last evaluated 2026-01-12.

Allele frequency attached by ClinVar (database versions not stated): ExAC 0.00004; gnomAD 0.00011; TOPMed 0.00016; ESP Exome Variant Server 0.00034.

Submissions (2):

Labcorp Genetics (formerly Invitae), Labcorp
Classification: Uncertain significance. Last evaluated: 2026-01-12. Review status: criteria provided, single submitter. Criteria: Invitae Variant Classification Sherloc (09022015). Collection method: clinical testing. Allele origin: germline.
Comment: This sequence change replaces arginine, which is basic and polar, with cysteine, which is neutral and slightly polar, at codon 1974 of the ZDBF2 protein (p.Arg1974Cys). This variant is present in population databases (rs375685194, gnomAD 0.04%). This variant has not been reported in the literature in individuals affected with ZDBF2-related conditions. ClinVar contains an entry for this variant (Variation ID: 2342208). An algorithm developed to predict the effect of missense changes on protein structure and function (PolyPhen-2) suggests that this variant is likely to be disruptive. In summary, the available evidence is currently insufficient to determine the role of this variant in disease. Therefore, it has been classified as a Variant of Uncertain Significance.

Ambry Genetics
Classification: Uncertain significance. Last evaluated: 2024-09-08. Review status: criteria provided, single submitter. Criteria: Ambry Variant Classification Scheme 2023. Collection method: clinical testing. Allele origin: germline.

NM_020923.3(ZDBF2):c.5920C>T (p.Arg1974Cys)

Gene: ZDBF2 (zinc finger DBF-type containing 2; plus strand). Cytogenetic location: 2q33.3.
Variant type: single nucleotide variant.
Coding change: c.5920C>T on transcript NM_020923.3 (MANE Select); coding-DNA position 5920, C replaced by T.
Protein change: p.Arg1974Cys; replaces arginine 1974 with cysteine.
Molecular consequence: missense variant.
Genome position (GRCh38, 1-based): chr2:206,310,448, C>T. VCF-style: chr2-206310448-C-T. GRCh37 (hg19) VCF-style: chr2-207175172-C-T.
Other names: c.5914C>T, p.Arg1972Cys (NM_001285549.2); c.5920C>T, p.Arg1974Cys (NM_001369654.1); short protein forms R1974C, R1972C.
Identifiers: ClinVar variation 2342208 (VCV002342208.4), dbSNP rs375685194, ClinGen allele CA2072556.